The following is an entry in ClinVar:

NM_018389.5(SLC35C1):c.192C>G (p.Asp64Glu)

Gene: SLC35C1 (solute carrier family 35 member C1; plus strand). Cytogenetic location: 11p11.2.
Variant type: single nucleotide variant.
Coding change: c.192C>G on transcript NM_018389.5 (MANE Select); coding-DNA position 192, C replaced by G.
Protein change: p.Asp64Glu; replaces aspartic acid 64 with glutamic acid.
Molecular consequence: missense variant.
Genome position (GRCh38, 1-based): chr11:45,805,993, C>G. VCF-style: chr11-45805993-C-G. GRCh37 (hg19) VCF-style: chr11-45827544-C-G.
Other names: c.153C>G, p.Asp51Glu (NM_001145265.2, NM_001145266.2); short protein forms D51E, D64E.
Identifiers: ClinVar variation 860772 (VCV000860772.9), dbSNP rs1315840820, ClinGen allele CA380202471.

ClinVar aggregate classification (germline): Uncertain significance (1 of 4 stars; one submission).

Conditions:
Leukocyte adhesion deficiency type II. Also called: CONGENITAL DISORDER OF GLYCOSYLATION, TYPE IIc; Congenital disorder of glycosylation type 2C; CDG 2C; Leukocyte adhesion deficiency type 2; Rambam Hasharon syndrome; CDG IIc. Identifiers: Orphanet 2968, Orphanet 99843, MedGen C0398739, MONDO:0009953, OMIM 266265.

Allele frequency attached by ClinVar (database versions not stated): gnomAD exomes below 0.00001.
gnomAD v4.1: 2 of 1,614,138 alleles (0.00012%); highest among the groups gnomAD compares: South Asian, 0.0011%; no homozygotes.

Submission:

Labcorp Genetics (formerly Invitae), Labcorp
Classification: Uncertain significance for Leukocyte adhesion deficiency type II. Last evaluated: 2019-01-22. Review status: criteria provided, single submitter. Criteria: Invitae Variant Classification Sherloc (09022015). Collection method: clinical testing. Allele origin: germline.
Comment: In summary, the available evidence is currently insufficient to determine the role of this variant in disease. Therefore, it has been classified as a Variant of Uncertain Significance. Algorithms developed to predict the effect of missense changes on protein structure and function (SIFT, PolyPhen-2, Align-GVGD) all suggest that this variant is likely to be tolerated, but these predictions have not been confirmed by published functional studies and their clinical significance is uncertain. This variant has not been reported in the literature in individuals with SLC35C1-related disease. This variant is not present in population databases (ExAC no frequency). This sequence change replaces aspartic acid with glutamic acid at codon 64 of the SLC35C1 protein (p.Asp64Glu). The aspartic acid residue is moderately conserved and there is a small physicochemical difference between aspartic acid and glutamic acid.